The following is an entry in ClinVar:

ClinVar aggregate classification (germline): Uncertain significance. Review status: criteria provided, multiple submitters, no conflicts (2 of 4 stars). 2 submissions from 2 submitters: Uncertain significance (2). Last evaluated 2025-08-01.

Conditions:
Cardiomyopathy (CMYO). Also called: Cardiomyopathies. Identifiers: Orphanet 167848, MedGen C0878544, MONDO:0004994, HP:0001638. Inheritance: Various modes of inheritance.
Cardiovascular phenotype. Identifiers: MedGen CN230736.

Allele frequency attached by ClinVar (database versions not stated): TOPMed 0.00001.

Submissions (2):

Ambry Genetics
Classification: Uncertain significance for Cardiovascular phenotype. Last evaluated: 2025-08-01. Review status: criteria provided, single submitter. Criteria: Ambry Variant Classification Scheme 2023. Collection method: clinical testing. Allele origin: germline.
Comment: The p.F669C variant (also known as c.2006T>G), located in coding exon 16 of the MYH7 gene, results from a T to G substitution at nucleotide position 2006. The phenylalanine at codon 669 is replaced by cysteine, an amino acid with highly dissimilar properties. This alteration is located in the myosin head domain, which contains a statistically significant clustering of pathogenic missense variants (Homburger JR et al. Proc Natl Acad Sci U S A, 2016 06;113:6701-6; Walsh R et al. Genet Med, 2017 02;19:192-203; Ambry internal data). This amino acid position is highly conserved in available vertebrate species. In addition, this alteration is predicted to be deleterious by in silico analysis. Based on the available evidence, the clinical significance of this variant remains unclear.

Color Diagnostics, LLC DBA Color Health
Classification: Uncertain significance for Cardiomyopathy. Last evaluated: 2023-12-04. Review status: criteria provided, single submitter. Criteria: ACMG Guidelines, 2015. Collection method: clinical testing. Allele origin: germline.
Comment: This missense variant replaces phenylalanine with cysteine at codon 669 of the MYH7 protein. Computational prediction suggests that this variant may have deleterious impact on protein structure and function (internally defined REVEL score threshold >= 0.7, PMID: 27666373). To our knowledge, functional studies have not been reported for this variant. This variant has not been reported in individuals affected with MYH7-related disorders in the literature. This variant has not been identified in the general population by the Genome Aggregation Database (gnomAD). The available evidence is insufficient to determine the role of this variant in disease conclusively. Therefore, this variant is classified as a Variant of Uncertain Significance.

NM_000257.4(MYH7):c.2006T>G (p.Phe669Cys)

Gene: MYH7 (myosin heavy chain 7; minus strand). Cytogenetic location: 14q11.2.
Variant type: single nucleotide variant.
Coding change: c.2006T>G on transcript NM_000257.4 (MANE Select); coding-DNA position 2006, T replaced by G.
Protein change: p.Phe669Cys; replaces phenylalanine 669 with cysteine.
Molecular consequence: missense variant.
Genome position (GRCh38, 1-based): chr14:23,426,815, A>C on the plus strand (T>G on the coding strand, the complement: MYH7 is on the minus strand). VCF-style: chr14-23426815-A-C. GRCh37 (hg19) VCF-style: chr14-23896024-A-C.
Other names: short protein forms F669C.
Identifiers: ClinVar variation 919928 (VCV000919928.5), dbSNP rs1892712215, ClinGen allele CA389049336.